The following is an entry in ClinVar:

NM_177438.3(DICER1):c.2486T>C (p.Ile829Thr)

Gene: DICER1 (dicer 1, ribonuclease III; minus strand). Cytogenetic location: 14q32.13.
Variant type: single nucleotide variant.
Coding change: c.2486T>C on transcript NM_177438.3 (MANE Select); coding-DNA position 2486, T replaced by C.
Protein change: p.Ile829Thr; replaces isoleucine 829 with threonine.
Molecular consequence: missense variant.
Genome position (GRCh38, 1-based): chr14:95,108,044, A>G on the plus strand (T>C on the coding strand, the complement: DICER1 is on the minus strand). VCF-style: chr14-95108044-A-G. GRCh37 (hg19) VCF-style: chr14-95574381-A-G.
Other names: c.2486T>C, p.Ile829Thr (NM_001195573.1, NM_001271282.3, NM_001291628.2 and 1 more transcripts); short protein forms I829T.
Identifiers: ClinVar variation 543570 (VCV000543570.11), dbSNP rs1555370828, ClinGen allele CA390881928.
Genomic context (GRCh38, chr14:95,108,044, plus strand): 5'-AGTCTTGTAATCAACTCAAGCATTTGTAGAGACAACATGAAACCAGACTTCTTCAACTCA[A>G]TGGATATGGTAACCTCTCCAGAGCGTGTGTACACAGGAAAGTGTGGAATCTTAGCAAAAG-3'
Protein context (NP_803187.1, residues 819-839): YTRSGEVTIS[Ile829Thr]ELKKSGFMLS

ClinVar aggregate classification (germline): Uncertain significance. Review status: criteria provided, multiple submitters, no conflicts (2 of 4 stars). 2 submissions from 2 submitters: Uncertain significance (2). Last evaluated 2026-08-16.

Conditions:
DICER1-related tumor predisposition. Also called: DICER1 syndrome; DICER1-related pleuropulmonary blastoma cancer predisposition syndrome. Identifiers: Orphanet 284343, MedGen C3839822, MONDO:0100216.
Hereditary cancer-predisposing syndrome. Also called: Hereditary Cancer Syndrome; Tumor predisposition; Hereditary neoplastic syndrome; Neoplastic Syndromes, Hereditary. Identifiers: Orphanet 140162, MedGen C0027672, MeSH D009386, MONDO:0015356.

Submissions (2):

Ambry Genetics
Classification: Uncertain significance for Hereditary cancer-predisposing syndrome. Last evaluated: 2026-08-16. Review status: criteria provided, single submitter. Criteria: Ambry Variant Classification Scheme 2023. Collection method: clinical testing. Allele origin: germline.
Comment: The p.I829T variant (also known as c.2486T>C), located in coding exon 15 of the DICER1 gene, results from a T to C substitution at nucleotide position 2486. The isoleucine at codon 829 is replaced by threonine, an amino acid with similar properties. This amino acid position is conserved. In addition, this alteration is predicted to be deleterious by in silico analysis. Based on the available evidence, the clinical significance of this variant remains unclear.

Labcorp Genetics (formerly Invitae), Labcorp
Classification: Uncertain significance for DICER1-related tumor predisposition. Last evaluated: 2017-12-06. Review status: criteria provided, single submitter. Criteria: Invitae Variant Classification Sherloc (09022015). Collection method: clinical testing. Allele origin: germline.
Comment: This variant is not present in population databases (ExAC no frequency). In summary, the available evidence is currently insufficient to determine the role of this variant in disease. Therefore, it has been classified as a Variant of Uncertain Significance. Algorithms developed to predict the effect of missense changes on protein structure and function (SIFT, PolyPhen-2, Align-GVGD) all suggest that this variant is likely to be disruptive, but these predictions have not been confirmed by published functional studies and their clinical significance is uncertain. This variant has not been reported in the literature in individuals with DICER1-related disease. This sequence change replaces isoleucine with threonine at codon 829 of the DICER1 protein (p.Ile829Thr). The isoleucine residue is highly conserved and there is a moderate physicochemical difference between isoleucine and threonine.